The following is an entry in ClinVar:

NM_002103.5(GYS1):c.759C>G (p.His253Gln)

Gene: GYS1 (glycogen synthase 1; minus strand). Cytogenetic location: 19q13.33.
Variant type: single nucleotide variant.
Coding change: c.759C>G on transcript NM_002103.5 (MANE Select); coding-DNA position 759, C replaced by G.
Protein change: p.His253Gln; replaces histidine 253 with glutamine.
Molecular consequence: missense variant. On other transcripts: non-coding transcript variant (1).
Genome position (GRCh38, 1-based): chr19:48,985,525, G>C on the plus strand (C>G on the coding strand, the complement: GYS1 is on the minus strand). VCF-style: chr19-48985525-G-C. GRCh37 (hg19) VCF-style: chr19-49488782-G-C.
Other names: c.567C>G, p.His189Gln (NM_001161587.2); short protein forms H189Q, H253Q.
Identifiers: ClinVar variation 4084922 (VCV004084922.8).

ClinVar aggregate classification (germline): Uncertain significance (1 of 4 stars; one submission).

Submission:

CeGaT Center for Human Genetics Tuebingen
Classification: Uncertain significance. Last evaluated: 2025-07-01. Review status: criteria provided, single submitter. Criteria: CeGaT Center For Human Genetics Tuebingen Variant Classification Criteria Version 2. Collection method: clinical testing. Allele origin: germline. Affected: yes. Observed: 1 variant allele.
Comment: GYS1: PM2